The following is an entry in ClinVar:

NM_001904.4(CTNNB1):c.2255G>C (p.Gly752Ala)

Gene: CTNNB1 (catenin beta 1; plus strand). Cytogenetic location: 3p22.1.
Variant type: single nucleotide variant.
Coding change: c.2255G>C on transcript NM_001904.4 (MANE Select); coding-DNA position 2255, G replaced by C.
Protein change: p.Gly752Ala; replaces glycine 752 with alanine.
Molecular consequence: missense variant.
Genome position (GRCh38, 1-based): chr3:41,239,251, G>C. VCF-style: chr3-41239251-G-C. GRCh37 (hg19) VCF-style: chr3-41280742-G-C.
Other names: c.2255G>C, p.Gly752Ala (NM_001098209.2, NM_001098210.2); c.2234G>C, p.Gly745Ala (NM_001330729.2); short protein forms G745A, G752A.
Identifiers: ClinVar variation 1502703 (VCV001502703.7), dbSNP rs373158451, ClinGen allele CA2331321.
Genomic context (GRCh38, chr3:41,239,251, plus strand): 5'-ACCCCATGATGGAACATGAGATGGGTGGCCACCACCCTGGTGCTGACTATCCAGTTGATG[G>C]GCTGCCAGATCTGGGGCATGCCCAGGACCTCATGGATGGGCTGCCTCCAGGTGACAGCAA-3'
Protein context (NP_001895.1, residues 742-762): HHPGADYPVD[Gly752Ala]LPDLGHAQDL

ClinVar aggregate classification (germline): Conflicting classifications of pathogenicity. Review status: criteria provided, conflicting classifications (1 of 4 stars). 2 submissions from 2 submitters: Uncertain significance (1); Likely benign (1). Last evaluated 2025-08-29.

Allele frequency attached by ClinVar (database versions not stated): gnomAD 0.00001; gnomAD exomes 0.00001 and 0.00002; TOPMed 0.00001; ExAC 0.00002; ESP Exome Variant Server 0.00008.
gnomAD v4.1: 13 of 1,614,194 alleles (0.00081%); highest among the groups gnomAD compares: Middle Eastern, 0.017%; no homozygotes.

Submissions (2):

Labcorp Genetics (formerly Invitae), Labcorp
Classification: Uncertain significance. Last evaluated: 2025-08-29. Review status: criteria provided, single submitter. Criteria: Invitae Variant Classification Sherloc (09022015). Collection method: clinical testing. Allele origin: germline.
Comment: This sequence change replaces glycine, which is neutral and non-polar, with alanine, which is neutral and non-polar, at codon 752 of the CTNNB1 protein (p.Gly752Ala). This variant is present in population databases (rs373158451, gnomAD 0.003%). This variant has not been reported in the literature in individuals affected with CTNNB1-related conditions. ClinVar contains an entry for this variant (Variation ID: 1502703). An algorithm developed to predict the effect of missense changes on protein structure and function (PolyPhen-2) suggests that this variant is likely to be tolerated. In summary, the available evidence is currently insufficient to determine the role of this variant in disease. Therefore, it has been classified as a Variant of Uncertain Significance.

Laboratory of Genetics, Children's Clinical University Hospital Latvia
Classification: Likely benign. Last evaluated: 2025-02-16. Review status: criteria provided, single submitter. Criteria: ACMG Guidelines, 2015. Collection method: clinical testing. Allele origin: germline. Affected: yes.